The following is an entry in ClinVar:

NM_032892.5(FRMD5):c.1141G>A (p.Glu381Lys)

Gene: FRMD5 (FERM domain containing 5; minus strand). Cytogenetic location: 15q15.3.
Variant type: single nucleotide variant.
Coding change: c.1141G>A on transcript NM_032892.5 (MANE Select); coding-DNA position 1141, G replaced by A.
Protein change: p.Glu381Lys; replaces glutamic acid 381 with lysine.
Molecular consequence: missense variant. On other transcripts: non-coding transcript variant (1).
Genome position (GRCh38, 1-based): chr15:43,874,457, C>T on the plus strand (G>A on the coding strand, the complement: FRMD5 is on the minus strand). VCF-style: chr15-43874457-C-T. GRCh37 (hg19) VCF-style: chr15-44166655-C-T.
Other names: c.859G>A, p.Glu287Lys (NM_001286490.2); c.439G>A, p.Glu147Lys (NM_001286491.2); c.1141G>A, p.Glu381Lys (NM_001322949.2, NM_001322950.2, NM_001411124.1); c.1036G>A, p.Glu346Lys (NM_001322951.2); short protein forms E287K, E381K, E147K, E346K.
Identifiers: ClinVar variation 3393830 (VCV003393830.1).
Genomic context (GRCh38, chr15:43,874,457, plus strand): 5'-AGGTGTCCCCATGGGAAGTGGAACGCACTGGTGTGGAATGGGCACTGTCCCGTAAGGACT[C>T]TAGGCCTAGAAAGGCAAAAGGAACATGAGTAGGCTGTGTCCCAATGCACCCTTTGCTTTC-3'
Protein context (NP_116281.2, residues 371-391): AVHISIMEGL[Glu381Lys]SLRDSAHSTP

ClinVar aggregate classification (germline): Uncertain significance (1 of 4 stars; one submission).

Submission:

GeneDx
Classification: Uncertain significance. Last evaluated: 2024-07-02. Review status: criteria provided, single submitter. Criteria: GeneDx Variant Classification Process June 2021. Collection method: clinical testing. Allele origin: germline. Affected: yes.
Comment: Not observed at significant frequency in large population cohorts (gnomAD); In silico analysis indicates that this missense variant does not alter protein structure/function; Has not been previously published as pathogenic or benign to our knowledge